The following is an entry in ClinVar:

ClinVar aggregate classification (germline): Likely pathogenic (1 of 4 stars; one submission).

Conditions:
Congenital bile acid synthesis defect 2 (CBAS2). Also called: CHOLESTASIS WITH DELTA(4)-3-OXOSTEROID 5-BETA-REDUCTASE DEFICIENCY. Identifiers: Orphanet 79303, MedGen C1856127, MONDO:0009339, OMIM 235555.

Submission:

Neuberg Centre For Genomic Medicine, NCGM
Classification: Likely pathogenic for Congenital bile acid synthesis defect 2. Last evaluated: 2023-06-02. Review status: criteria provided, single submitter. Criteria: ACMG Guidelines, 2015. Collection method: clinical testing. Allele origin: germline. Inheritance: Autosomal recessive inheritance. Affected: yes.
Comment: The observed frameshift c.141_142del (p.Gly48ValfsTer5) variant in AKR1D1 gene has not been previously reported as pathogenic variant nor as a benign variant, to our knowledge. The p.Gly48ValfsTer5 variant is absent in gnomAD Exomes. This variant has not been submitted to the ClinVar database. This variant causes a frameshift starting with codon Glycine 48, changes this amino acid to Valine residue, and creates a premature Stop codon at position 5 of the new reading frame, denoted p.Gly48ValfsTer5. This variant is predicted to cause loss of normal protein function through protein truncation. Loss-of-function variants in AKR1D1 are known to be pathogenic (Lemonde et al., 2003; Ueki et al., 2009; Drury et al., 2010; Mindnich et al., 2011; Morgan et al., 2013). For these reasons, this variant has been classified as Likely Pathogenic.

NM_005989.4(AKR1D1):c.141_142del (p.Gly48fs)

Gene: AKR1D1 (aldo-keto reductase family 1 member D1; plus strand). Cytogenetic location: 7q33.
Variant type: Deletion.
Coding change: c.141_142del on transcript NM_005989.4 (MANE Select); coding-DNA positions 141 to 142, 2 bases deleted (AG; older notation c.141_142delAG).
Protein change: p.Gly48fs; shifts the reading frame from glycine 48.
Molecular consequence: frameshift variant.
Genome position (GRCh38, 1-based): chr7:138,088,648-138,088,649, AG deleted. VCF-style (leftmost placement, unchanged base first): chr7-138088647-CAG-C. GRCh37 (hg19) VCF-style: chr7-137773393-CAG-C.
Other names: c.141_142del, p.Gly48fs (NM_001190906.2, NM_001190907.2); short protein forms G48fs.
Identifiers: ClinVar variation 3362334 (VCV003362334.3).